The following is an entry in ClinVar:

NM_000051.4(ATM):c.8933_8934dup (p.Glu2979fs)

Genes: ATM (ATM serine/threonine kinase; plus strand), C11orf65 (chromosome 11 open reading frame 65; minus strand). Cytogenetic location: 11q22.3.
Variant type: Duplication.
Coding change: c.8933_8934dup on transcript NM_000051.4 (MANE Select); coding-DNA positions 8933 to 8934, 2 bases duplicated (CT; older notation c.8933_8934dupCT).
Protein change: p.Glu2979fs; shifts the reading frame from glutamic acid 2979.
Molecular consequence: frameshift variant. On other transcripts: intron variant (2).
Genome position (GRCh38, 1-based): chr11:108,365,164-108,365,165, CT duplicated. VCF-style (leftmost placement, unchanged base first): chr11-108365163-A-ACT. GRCh37 (hg19) VCF-style: chr11-108235890-A-ACT.
Other names: c.8933_8934dup, p.Glu2979fs (NM_001351834.2); c.640+20755_640+20756dup (NM_001330368.2); c.694+20755_694+20756dup (NM_001351110.2); short protein forms E2979fs.
Identifiers: ClinVar variation 3662807 (VCV003662807.2).

ClinVar aggregate classification (germline): Pathogenic (1 of 4 stars; one submission).

Conditions:
Ataxia-telangiectasia syndrome (AT). Also called: Ataxia-telangiectasia, complementation group D; AT, COMPLEMENTATION GROUP C; ATAXIA-TELANGIECTASIA, COMPLEMENTATION GROUP A; ATAXIA-TELANGIECTASIA, FRESNO VARIANT; Ataxia-telangiectasia; Ataxia-telangiectasia, complementation group E. Identifiers: Orphanet 100, MedGen C0004135, MONDO:0008840, OMIM 208900.

Submission:

Labcorp Genetics (formerly Invitae), Labcorp
Classification: Pathogenic for Ataxia-telangiectasia syndrome. Last evaluated: 2024-11-13. Review status: criteria provided, single submitter. Criteria: Invitae Variant Classification Sherloc (09022015). Collection method: clinical testing. Allele origin: germline.
Comment: This sequence change creates a premature translational stop signal (p.Glu2979Leufs*7) in the ATM gene. While this is not anticipated to result in nonsense mediated decay, it is expected to disrupt the last 78 amino acid(s) of the ATM protein. This variant is not present in population databases (gnomAD no frequency). This variant has not been reported in the literature in individuals affected with ATM-related conditions. This variant disrupts a region of the ATM protein in which other variant(s) (p.Arg2993*) have been determined to be pathogenic (PMID: 12815592, 16238588, 17124347, 20840352, 23322442, 23774824). This suggests that this is a clinically significant region of the protein, and that variants that disrupt it are likely to be disease-causing. For these reasons, this variant has been classified as Pathogenic.

Literature cited by the submitters: PubMed 12815592; PubMed 16238588; PubMed 17124347; PubMed 20840352; PubMed 23322442; PubMed 23774824.